The following is an entry in ClinVar:

NM_007055.4(POLR3A):c.2561del (p.Gly854fs)

Gene: POLR3A (RNA polymerase III subunit A; minus strand). Cytogenetic location: 10q22.3.
Variant type: Deletion.
Coding change: c.2561del on transcript NM_007055.4 (MANE Select); coding-DNA position 2561, one base deleted (G; older notation c.2561delG).
Protein change: p.Gly854fs; shifts the reading frame from glycine 854.
Molecular consequence: frameshift variant.
Genome position (GRCh38, 1-based): chr10:78,000,036, C deleted on the plus strand (G on the coding strand, the reverse complement: POLR3A is on the minus strand); the first of 2 consecutive C bases (chr10:78,000,036-78,000,037); deleting either gives the same sequence. VCF-style (leftmost placement, unchanged base first): chr10-78000035-GC-G. GRCh37 (hg19) VCF-style: chr10-79759793-GC-G.
Other names: short protein forms G854fs.
Identifiers: ClinVar variation 3250896 (VCV003250896.18), dbSNP rs2493206502.

ClinVar aggregate classification (germline): Pathogenic (1 of 4 stars; one submission).

Submission:

CeGaT Center for Human Genetics Tuebingen
Classification: Pathogenic. Last evaluated: 2024-07-01. Review status: criteria provided, single submitter. Criteria: CeGaT Center For Human Genetics Tuebingen Variant Classification Criteria Version 2. Collection method: clinical testing. Allele origin: germline. Affected: yes. Observed: 1 variant allele.
Comment: POLR3A: PVS1, PM2, PM3